The following is an entry in ClinVar:

NM_000092.5(COL4A4):c.4565T>G (p.Phe1522Cys)

Gene: COL4A4 (collagen type IV alpha 4 chain; minus strand). Cytogenetic location: 2q36.3.
Variant type: single nucleotide variant.
Coding change: c.4565T>G on transcript NM_000092.5 (MANE Select); coding-DNA position 4565, T replaced by G.
Protein change: p.Phe1522Cys; replaces phenylalanine 1522 with cysteine.
Molecular consequence: missense variant.
Genome position (GRCh38, 1-based): chr2:227,008,262, A>C on the plus strand (T>G on the coding strand, the complement: COL4A4 is on the minus strand). VCF-style: chr2-227008262-A-C. GRCh37 (hg19) VCF-style: chr2-227872978-A-C.
Other names: short protein forms F1522C.
Identifiers: ClinVar variation 5004013 (VCV005004013.1).

ClinVar aggregate classification (germline): Uncertain significance (1 of 4 stars; one submission).

Conditions:
Alport syndrome. Also called: Hemorrhagic familial nephritis; Hemorrhagic hereditary nephritis; Congenital hereditary hematuria. Identifiers: Orphanet 63, MedGen C1567741, MONDO:0018965.

Submission:

Myriad Genetics, Inc.
Classification: Uncertain significance for Alport syndrome. Last evaluated: 2025-10-06. Review status: criteria provided, single submitter. Criteria: Myriad Autosomal Dominant, Autosomal Recessive and X-Linked Classification Criteria (2023). Collection method: clinical testing. Allele origin: unknown.
Comment: NM_000092.4(COL4A4):c.4565T>G(F1522C) is a missense variant classified as a variant of uncertain significance in the context of Alport syndrome, COL4A4-related. F1522C has not been observed in cases with relevant disease. Relevant functional assessments of this variant are not available in the literature. F1522C has not been observed in referenced population frequency databases. In summary, there is insufficient evidence to classify NM_000092.4(COL4A4):c.4565T>G(F1522C) as pathogenic or benign. Please note: this variant was assessed in the context of healthy population screening.